The following is an entry in ClinVar:

NM_001127511.3(APC):c.165+10G>C

Gene: APC (APC regulator of Wnt signaling pathway; plus strand). Cytogenetic location: 5q22.2.
Variant type: single nucleotide variant.
Coding change: c.165+10G>C on transcript NM_001127511.3; 10 bases into the intron after coding-DNA position 165, G replaced by C.
Molecular consequence: intron variant.
Genome position (GRCh38, 1-based): chr5:112,707,892, G>C. VCF-style: chr5-112707892-G-C. GRCh37 (hg19) VCF-style: chr5-112043589-G-C.
Other names: c.-1054+10G>C (NM_001407470.1, NM_001407472.1); c.-19+10G>C (NM_001407447.1, NM_001354895.2, NM_001407456.1 and 3 more transcripts); c.165+10G>C (NM_001407446.1, NM_001354897.2, NM_001354902.2); c.-19+243G>C (NM_001407448.1, NM_001407450.1, NM_001407457.1 and 1 more transcripts); c.-43+243G>C (NM_001407453.1).
Identifiers: ClinVar variation 2130955 (VCV002130955.4), dbSNP rs1296416614, ClinGen allele CA2580072345.

ClinVar aggregate classification (germline): Uncertain significance (1 of 4 stars; one submission).

Conditions:
Familial adenomatous polyposis 1 (FAP1). Also called: FAMILIAL ADENOMATOUS POLYPOSIS 1, ATTENUATED; POLYPOSIS, ADENOMATOUS INTESTINAL. Identifiers: MedGen C2713442, MONDO:0021056, OMIM 175100. Disease mechanism: loss of function.

Submission:

Labcorp Genetics (formerly Invitae), Labcorp
Classification: Uncertain significance for Familial adenomatous polyposis 1. Last evaluated: 2025-12-03. Review status: criteria provided, single submitter. Criteria: Invitae Variant Classification Sherloc (09022015). Collection method: clinical testing. Allele origin: germline.
Comment: This variant occurs in a non-coding region of the APC gene. It does not change the encoded amino acid sequence of the APC protein. This variant is not present in population databases (gnomAD no frequency). This variant has not been reported in the literature in individuals affected with APC-related conditions. Experimental studies and prediction algorithms are not available or were not evaluated, and the functional significance of this variant is currently unknown. In summary, the available evidence is currently insufficient to determine the role of this variant in disease. Therefore, it has been classified as a Variant of Uncertain Significance.